The following is an entry in ClinVar:

ClinVar aggregate classification (germline): Likely benign (1 of 4 stars; one submission).

Conditions:
Macular corneal dystrophy (MCD). Also called: GROENOUW TYPE II CORNEAL DYSTROPHY; Macular corneal dystrophy Type I. Identifiers: Orphanet 98969, MedGen C1636149, MONDO:0009020, OMIM 217800.

Allele frequency attached by ClinVar (database versions not stated): gnomAD 0.00241 and 0.00259; 1000 Genomes Project 0.00260; 1000 Genomes Project 30x 0.00281; TOPMed 0.00293.

Submission:

Illumina Laboratory Services, Illumina
Classification: Likely benign for Macular corneal dystrophy. Last evaluated: 2018-01-13. Review status: criteria provided, single submitter. Criteria: ICSL Variant Classification Criteria 13 December 2019. Collection method: clinical testing. Allele origin: germline.
Comment: This variant was observed in the ICSL laboratory as part of a predisposition screen in an ostensibly healthy population. It had not been previously curated by ICSL or reported in the Human Gene Mutation Database (HGMD: prior to June 1st, 2018), and was therefore a candidate for classification through an automated scoring system. Utilizing variant allele frequency, disease prevalence and penetrance estimates, and inheritance mode, an automated score was calculated to assess if this variant is too frequent to cause the disease. Based on the score and internal cut-off values, a variant classified as likely benign is not then subjected to further curation. The score for this variant resulted in a classification of likely benign for this disease.

NM_021615.5(CHST6):c.*1914A>G

Gene: CHST6 (carbohydrate sulfotransferase 6; minus strand). Cytogenetic location: 16q23.1.
Variant type: single nucleotide variant.
Coding change: c.*1914A>G on transcript NM_021615.5 (MANE Select); 1914 bases downstream of the stop codon, A replaced by G.
Molecular consequence: 3 prime UTR variant.
Genome position (GRCh38, 1-based): chr16:75,476,727, T>C on the plus strand (A>G on the coding strand, the complement: CHST6 is on the minus strand). VCF-style: chr16-75476727-T-C. GRCh37 (hg19) VCF-style: chr16-75510625-T-C.
Identifiers: ClinVar variation 320560 (VCV000320560.5), dbSNP rs143764747, ClinGen allele CA10638390.
Genomic context (GRCh38, chr16:75,476,727, plus strand): 5'-TCAGACAGCACTGGTGGCTTGATCTTGGACTTCCCAGTCTCCAGACTTGTGAGAAGAACA[T>C]TTGTTTATAAGTTACCCAGTCTTTTTTTTTTTTTTGAGATGGAGTCTTGCTCTGTCACCC-3'